The following is an entry in ClinVar:

NM_001127222.2(CACNA1A):c.6372A>G (p.Ser2124=)

Gene: CACNA1A (calcium voltage-gated channel subunit alpha1 A; minus strand). Cytogenetic location: 19p13.13.
Variant type: single nucleotide variant.
Coding change: c.6372A>G on transcript NM_001127222.2 (MANE Select); coding-DNA position 6372, A replaced by G.
Protein change: p.Ser2124=; no amino-acid change (serine 2124 retained).
Molecular consequence: synonymous variant.
Genome position (GRCh38, 1-based): chr19:13,209,466, T>C on the plus strand (A>G on the coding strand, the complement: CACNA1A is on the minus strand). VCF-style: chr19-13209466-T-C. GRCh37 (hg19) VCF-style: chr19-13320280-T-C.
Other names: c.6390A>G, p.Ser2130= (NM_000068.4, NM_023035.3); c.6375A>G, p.Ser2125= (NM_001127221.2); c.6381A>G, p.Ser2127= (NM_001174080.2); c.6375A>G (NM_000068.2).
Identifiers: ClinVar variation 384949 (VCV000384949.55), dbSNP rs760994682, ClinGen allele CA9239371.
Genomic context (GRCh38, chr19:13,209,466, plus strand): 5'-CGGGACCCGCTCCAGCGAGTAATCGTCCAGGCGTCGGGCCTTGGGGCCCAGCACGGAGGC[T>C]GAACGCTTCATGGGGCTGGTGTCTGAGATGGTCTGGGGGAGGGGACAGGCCGGTGGGCTG-3'
Protein context (NP_001120694.1, residues 2114-2134): TISDTSPMKR[Ser2124=]ASVLGPKARR

ClinVar aggregate classification (germline): Conflicting classifications of pathogenicity. Review status: criteria provided, conflicting classifications (1 of 4 stars). 5 submissions from 5 submitters: Uncertain significance (1); Likely benign (4). Last evaluated 2025-07-10.

Conditions:
Developmental and epileptic encephalopathy, 42 (DEE42A). Also called: DEVELOPMENTAL AND EPILEPTIC ENCEPHALOPATHY 42A; EPILEPTIC ENCEPHALOPATHY, EARLY INFANTILE, 42A; Epileptic encephalopathy, early infantile, 42. Identifiers: MedGen C4310716, MONDO:0014917, OMIM 617106.
Episodic ataxia type 2 (EA2). Also called: ATAXIA, EPISODIC, WITH NYSTAGMUS; ATAXIA, FAMILIAL PAROXYSMAL; CEREBELLAR ATAXIA, PAROXYSMAL, ACETAZOLAMIDE-RESPONSIVE; CEREBELLOPATHY, HEREDITARY PAROXYSMAL; ACETAZOLAMIDE-RESPONSIVE HEREDITARY PAROXYSMAL CEREBELLAR ATAXIA; EPISODIC ATAXIA, NYSTAGMUS-ASSOCIATED. Identifiers: Orphanet 97, MedGen C1720416, MONDO:0007163, OMIM 108500.

Allele frequency attached by ClinVar (database versions not stated): gnomAD exomes 0.00001; TOPMed 0.00001; ExAC 0.00007.
gnomAD v4.1: 13 of 1,356,774 alleles (0.00096%); highest among the groups gnomAD compares: Middle Eastern, 0.15%; no homozygotes.

Submissions (5):

Athena Diagnostics
Classification: Likely benign. Last evaluated: 2025-07-10. Review status: criteria provided, single submitter. Criteria: Athena Diagnostics Criteria. Collection method: clinical testing. Allele origin: unknown.
Comment: Computational tools yielded predictions that this variant is unlikely to have an effect on normal RNA splicing. This nucleotide position exhibits low evolutionary conservation.

Labcorp Genetics (formerly Invitae), Labcorp
Classification: Likely benign for Developmental and epileptic encephalopathy, 42; Episodic ataxia type 2. Last evaluated: 2025-02-12. Review status: criteria provided, single submitter. Criteria: Invitae Variant Classification Sherloc (09022015). Collection method: clinical testing. Allele origin: germline.

GeneDx
Classification: Likely benign. Last evaluated: 2020-09-23. Review status: criteria provided, single submitter. Criteria: GeneDx Variant Classification Process June 2021. Collection method: clinical testing. Allele origin: germline. Affected: yes.

CeGaT Center for Human Genetics Tuebingen
Classification: Likely benign. Last evaluated: 2018-08-01. Review status: criteria provided, single submitter. Criteria: CeGaT Center For Human Genetics Tuebingen Variant Classification Criteria Version 2. Collection method: clinical testing. Allele origin: germline. Affected: yes. Observed: 1 variant allele.

Eurofins Ntd Llc (ga)
Classification: Uncertain significance. Last evaluated: 2018-01-09. Review status: criteria provided, single submitter. Criteria: EGL Classification Definitions 2015. Collection method: clinical testing. Allele origin: germline. Observed: 1 variant allele, 1 heterozygote.